The following is an entry in ClinVar:

NM_004371.4(COPA):c.589G>C (p.Val197Leu)

Gene: COPA (coat protein complex I subunit alpha; minus strand). Cytogenetic location: 1q23.2.
Variant type: single nucleotide variant.
Coding change: c.589G>C on transcript NM_004371.4 (MANE Select); coding-DNA position 589, G replaced by C.
Protein change: p.Val197Leu; replaces valine 197 with leucine.
Molecular consequence: missense variant.
Genome position (GRCh38, 1-based): chr1:160,325,560, C>G on the plus strand (G>C on the coding strand, the complement: COPA is on the minus strand). VCF-style: chr1-160325560-C-G. GRCh37 (hg19) VCF-style: chr1-160295350-C-G.
Other names: c.589G>C, p.Val197Leu (NM_001098398.2); short protein forms V197L.
Identifiers: ClinVar variation 4741274 (VCV004741274.1).

ClinVar aggregate classification (germline): Uncertain significance (1 of 4 stars; one submission).

Conditions:
Autoimmune interstitial lung disease-arthritis syndrome. Also called: Autoinflammation and autoimmunity, systemic, with immune dysregulation. Identifiers: Orphanet 444092, MedGen C5975714, MONDO:0014629.

Submission:

Labcorp Genetics (formerly Invitae), Labcorp
Classification: Uncertain significance for Autoimmune interstitial lung disease-arthritis syndrome. Last evaluated: 2025-03-27. Review status: criteria provided, single submitter. Criteria: Invitae Variant Classification Sherloc (09022015). Collection method: clinical testing. Allele origin: germline.
Comment: This sequence change replaces valine, which is neutral and non-polar, with leucine, which is neutral and non-polar, at codon 197 of the COPA protein (p.Val197Leu). This variant is not present in population databases (gnomAD no frequency). This variant has not been reported in the literature in individuals affected with COPA-related conditions. Invitae Evidence Modeling of protein sequence and biophysical properties (such as structural, functional, and spatial information, amino acid conservation, physicochemical variation, residue mobility, and thermodynamic stability) indicates that this missense variant is expected to disrupt COPA protein function with a positive predictive value of 80%. In summary, the available evidence is currently insufficient to determine the role of this variant in disease. Therefore, it has been classified as a Variant of Uncertain Significance.